The following is an entry in ClinVar:

NM_001035.3(RYR2):c.3766C>A (p.Pro1256Thr)

Genes: RYR2 (ryanodine receptor 2; plus strand), LOC126806067 (BRD4-independent group 4 enhancer GRCh37_chr1:237753258-237754457; plus strand). Cytogenetic location: 1q43.
Variant type: single nucleotide variant.
Coding change: c.3766C>A on transcript NM_001035.3 (MANE Select); coding-DNA position 3766, C replaced by A.
Protein change: p.Pro1256Thr; replaces proline 1256 with threonine.
Molecular consequence: missense variant.
Genome position (GRCh38, 1-based): chr1:237,589,960, C>A. VCF-style: chr1-237589960-C-A. GRCh37 (hg19) VCF-style: chr1-237753260-C-A.
Other names: short protein forms P1256T.
Identifiers: ClinVar variation 876308 (VCV000876308.15), dbSNP rs769729405, ClinGen allele CA086440.

ClinVar aggregate classification (germline): Conflicting classifications of pathogenicity. Review status: criteria provided, conflicting classifications (1 of 4 stars). 4 submissions from 3 submitters: Uncertain significance (2); Likely benign (2). Last evaluated 2025-11-27.

Conditions:
Catecholaminergic polymorphic ventricular tachycardia 1. Also called: RYR2-Related Catecholaminergic Polymorphic Ventricular Tachycardia; VENTRICULAR TACHYCARDIA, CATECHOLAMINERGIC POLYMORPHIC, 1, WITH OR WITHOUT ATRIAL DYSFUNCTION AND/OR DILATED CARDIOMYOPATHY; VENTRICULAR TACHYCARDIA, STRESS-INDUCED POLYMORPHIC 1. Identifiers: Orphanet 3286, MedGen C1631597, MONDO:0011484, OMIM 604772.
Arrhythmogenic right ventricular dysplasia 2. Identifiers: MedGen C1832931.
Cardiomyopathy (CMYO). Also called: Cardiomyopathies. Identifiers: Orphanet 167848, MedGen C0878544, MONDO:0004994, HP:0001638. Inheritance: Various modes of inheritance.

Allele frequency attached by ClinVar (database versions not stated): ExAC 0.00002; TOPMed 0.00004.
gnomAD v4.1: 7 of 1,613,866 alleles (0.00043%); highest among the groups gnomAD compares: East Asian, 0.016%; no homozygotes.

Submissions (4):

Labcorp Genetics (formerly Invitae), Labcorp
Classification: Uncertain significance for Catecholaminergic polymorphic ventricular tachycardia 1. Last evaluated: 2025-11-27. Review status: criteria provided, single submitter. Criteria: Invitae Variant Classification Sherloc (09022015). Collection method: clinical testing. Allele origin: germline.
Comment: This sequence change replaces proline, which is neutral and non-polar, with threonine, which is neutral and polar, at codon 1256 of the RYR2 protein (p.Pro1256Thr). This variant is present in population databases (rs769729405, gnomAD 0.02%). This missense change has been observed in individual(s) with clinical features of catecholaminergic polymorphic ventricular tachycardia and/or hypertrophic cardiomyopathy (PMID: 26114861, 29434162, 32152366, 33658040). ClinVar contains an entry for this variant (Variation ID: 876308). Invitae Evidence Modeling of protein sequence and biophysical properties (such as structural, functional, and spatial information, amino acid conservation, physicochemical variation, residue mobility, and thermodynamic stability) has been performed for this missense variant. However, the output from this modeling did not meet the statistical confidence thresholds required to predict the impact of this variant on RYR2 protein function. In summary, the available evidence is currently insufficient to determine the role of this variant in disease. Therefore, it has been classified as a Variant of Uncertain Significance.

Color Diagnostics, LLC DBA Color Health
Classification: Likely benign for Cardiomyopathy. Last evaluated: 2025-09-09. Review status: criteria provided, single submitter. Criteria: ACMG Guidelines, 2015. Collection method: clinical testing. Allele origin: germline.

Illumina Laboratory Services, Illumina
Classification: Likely benign for Catecholaminergic polymorphic ventricular tachycardia 1. Last evaluated: 2018-01-13. Review status: criteria provided, single submitter. Criteria: ICSL Variant Classification Criteria 13 December 2019. Collection method: clinical testing. Allele origin: germline.
Comment: This variant was observed in the ICSL laboratory as part of a predisposition screen in an ostensibly healthy population. It had not been previously curated by ICSL or reported in the Human Gene Mutation Database (HGMD: prior to June 1st, 2018), and was therefore a candidate for classification through an automated scoring system. Utilizing variant allele frequency, disease prevalence and penetrance estimates, and inheritance mode, an automated score was calculated to assess if this variant is too frequent to cause the disease. Based on the score and internal cut-off values, a variant classified as likely benign is not then subjected to further curation. The score for this variant resulted in a classification of likely benign for this disease.

Illumina Laboratory Services, Illumina
Classification: Uncertain significance for Catecholaminergic polymorphic ventricular tachycardia 1. Last evaluated: 2018-01-13. Review status: criteria provided, single submitter. Criteria: ICSL Variant Classification Criteria 13 December 2019. Collection method: clinical testing. Allele origin: germline.

Literature cited by the submitters: PubMed 26114861 (cited by Labcorp Genetics (formerly Invitae), Labcorp); PubMed 29434162 (cited by Labcorp Genetics (formerly Invitae), Labcorp); PubMed 32152366 (cited by Labcorp Genetics (formerly Invitae), Labcorp); PubMed 33658040 (cited by Labcorp Genetics (formerly Invitae), Labcorp).